The following is an entry in ClinVar:

NM_015047.3(EMC1):c.1433-3C>T

Genes: EMC1 (ER membrane protein complex subunit 1; minus strand), EMC1-AS1 (EMC1 antisense RNA 1; plus strand). Cytogenetic location: 1p36.13.
Variant type: single nucleotide variant.
Coding change: c.1433-3C>T on transcript NM_015047.3 (MANE Select); 3 bases into the intron before coding-DNA position 1433, C replaced by T.
Molecular consequence: intron variant.
Genome position (GRCh38, 1-based): chr1:19,233,138, G>A on the plus strand (C>T on the coding strand, the complement: EMC1 is on the minus strand). VCF-style: chr1-19233138-G-A. GRCh37 (hg19) VCF-style: chr1-19559632-G-A.
Other names: c.1367-3C>T (NM_001271429.2); c.1430-3C>T (NM_001271427.2, NM_001271428.2); c.1439-3C>T (NM_001375821.1); c.1442-3C>T (NM_001375820.1).
Identifiers: ClinVar variation 1020964 (VCV001020964.8), dbSNP rs750043864, ClinGen allele CA652570.
Genomic context (GRCh38, chr1:19,233,138, plus strand): 5'-GCTTGCAGCAGGATAAGCTGAGACGAGAGGCGTTTCAGGAACATCCCCAGCAAGCCATCT[G>A]GTGTAAAGGAAAAGTAACATACTCTACATCAGACTAGGGGTCCATAAGGAGGTACATGAT-3'

ClinVar aggregate classification (germline): Uncertain significance (1 of 4 stars; one submission).

gnomAD v4.1: 36 of 1,612,768 alleles (0.0022%); highest among the groups gnomAD compares: Non-Finnish European, 0.003%; no homozygotes.

Submission:

Labcorp Genetics (formerly Invitae), Labcorp
Classification: Uncertain significance. Last evaluated: 2025-01-07. Review status: criteria provided, single submitter. Criteria: Invitae Variant Classification Sherloc (09022015). Collection method: clinical testing. Allele origin: germline.
Comment: This sequence change falls in intron 13 of the EMC1 gene. It does not directly change the encoded amino acid sequence of the EMC1 protein. It affects a nucleotide within the consensus splice site. This variant is present in population databases (rs750043864, gnomAD 0.002%). This variant has not been reported in the literature in individuals affected with EMC1-related conditions. ClinVar contains an entry for this variant (Variation ID: 1020964). Variants that disrupt the consensus splice site are a relatively common cause of aberrant splicing (PMID: 17576681, 9536098). Algorithms developed to predict the effect of sequence changes on RNA splicing suggest that this variant is not likely to affect RNA splicing. In summary, the available evidence is currently insufficient to determine the role of this variant in disease. Therefore, it has been classified as a Variant of Uncertain Significance.

Literature cited by the submitters: PubMed 17576681; PubMed 9536098.